The following is an entry in ClinVar:

NM_014795.4(ZEB2):c.1724A>G (p.His575Arg)

Gene: ZEB2 (zinc finger E-box binding homeobox 2; minus strand). Cytogenetic location: 2q22.3.
Variant type: single nucleotide variant.
Coding change: c.1724A>G on transcript NM_014795.4 (MANE Select); coding-DNA position 1724, A replaced by G.
Protein change: p.His575Arg; replaces histidine 575 with arginine.
Molecular consequence: missense variant.
Genome position (GRCh38, 1-based): chr2:144,399,463, T>C on the plus strand (A>G on the coding strand, the complement: ZEB2 is on the minus strand). VCF-style: chr2-144399463-T-C. GRCh37 (hg19) VCF-style: chr2-145157030-T-C.
Other names: c.1652A>G, p.His551Arg (NM_001171653.2); short protein forms H551R, H575R.
Identifiers: ClinVar variation 1716083 (VCV001716083.5), dbSNP rs1197446334, ClinGen allele CA348710332.

ClinVar aggregate classification (germline): Uncertain significance (1 of 4 stars; one submission).

Conditions:
Mowat-Wilson syndrome (MOWS). Also called: Classic Mowat-Wilson Syndrome. Identifiers: Orphanet 2152, MedGen C1856113, MONDO:0009341, OMIM 235730.

Allele frequency attached by ClinVar (database versions not stated): gnomAD exomes below 0.00001.
gnomAD v4.1: 1 of 1,614,196 alleles (0.000062%); highest among the groups gnomAD compares: African/African-American, 0.0013%; no homozygotes.

Submission:

Labcorp Genetics (formerly Invitae), Labcorp
Classification: Uncertain significance for Mowat-Wilson syndrome. Last evaluated: 2022-08-10. Review status: criteria provided, single submitter. Criteria: Invitae Variant Classification Sherloc (09022015). Collection method: clinical testing. Allele origin: germline.
Comment: In summary, the available evidence is currently insufficient to determine the role of this variant in disease. Therefore, it has been classified as a Variant of Uncertain Significance. Algorithms developed to predict the effect of missense changes on protein structure and function are either unavailable or do not agree on the potential impact of this missense change (SIFT: "Tolerated"; PolyPhen-2: "Possibly Damaging"; Align-GVGD: "Class C0"). This variant has not been reported in the literature in individuals affected with ZEB2-related conditions. This variant is not present in population databases (gnomAD no frequency). This sequence change replaces histidine, which is basic and polar, with arginine, which is basic and polar, at codon 575 of the ZEB2 protein (p.His575Arg).